The following is an entry in ClinVar:

NM_006031.6(PCNT):c.2097T>C (p.Asn699=)

Gene: PCNT (pericentrin; plus strand). Cytogenetic location: 21q22.3.
Variant type: single nucleotide variant.
Coding change: c.2097T>C on transcript NM_006031.6 (MANE Select); coding-DNA position 2097, T replaced by C.
Protein change: p.Asn699=; no amino-acid change (asparagine 699 retained).
Molecular consequence: synonymous variant.
Genome position (GRCh38, 1-based): chr21:46,357,134, T>C. VCF-style: chr21-46357134-T-C. GRCh37 (hg19) VCF-style: chr21-47777049-T-C.
Other names: c.1743T>C, p.Asn581= (NM_001315529.2).
Identifiers: ClinVar variation 3351044 (VCV003351044.1).
Genomic context (GRCh38, chr21:46,357,134, plus strand): 5'-GCAACTTTCGCTTCTTCAGACTGAGCTCAAAGAAGAAATTGAACTCCTAAAAATAGAAAA[T>C]AGAAATTTGTATGGGAAGTTGCAGCATGAAACTCGTCTGAAGGACGATTTGGAGAAGGTG-3'
Protein context (NP_006022.3, residues 689-709): KEEIELLKIE[Asn699=]RNLYGKLQHE

ClinVar aggregate classification (germline): Likely benign (0 of 4 stars; one submission).

Conditions:
PCNT-related disorder. Also called: PCNT-related condition.

gnomAD v4.1: 2 of 1,613,902 alleles (0.00012%); highest among the groups gnomAD compares: Middle Eastern, 0.016%; no homozygotes.

Submission:

PreventionGenetics, part of Exact Sciences
Classification: Likely benign for PCNT-related condition. Last evaluated: 2023-09-13. Review status: no assertion criteria provided. Collection method: clinical testing. Allele origin: germline.
Comment: This variant is classified as likely benign based on ACMG/AMP sequence variant interpretation guidelines (Richards et al. 2015 PMID: 25741868, with internal and published modifications).